The following is an entry in ClinVar:

NM_005159.5(ACTC1):c.455-14A>G

Genes: ACTC1 (actin alpha cardiac muscle 1; minus strand), GJD2-DT (GJD2 divergent transcript; plus strand). Cytogenetic location: 15q14.
Variant type: single nucleotide variant.
Coding change: c.455-14A>G on transcript NM_005159.5 (MANE Select); 14 bases into the intron before coding-DNA position 455, A replaced by G.
Molecular consequence: intron variant.
Genome position (GRCh38, 1-based): chr15:34,792,583, T>C on the plus strand (A>G on the coding strand, the complement: ACTC1 is on the minus strand). VCF-style: chr15-34792583-T-C. GRCh37 (hg19) VCF-style: chr15-35084784-T-C.
Identifiers: ClinVar variation 1637537 (VCV001637537.9), dbSNP rs902599585, ClinGen allele CA268662554.

ClinVar aggregate classification (germline): Likely benign. Review status: criteria provided, multiple submitters, no conflicts (2 of 4 stars). 2 submissions from 2 submitters: Likely benign (2). Last evaluated 2024-08-16.

Conditions:
Hypertrophic cardiomyopathy 11. Also called: ACTC1-Related Familial Hypertrophic Cardiomyopathy. Identifiers: MedGen C2677506, MONDO:0012799, OMIM 612098.
Dilated cardiomyopathy 1R (CMD1R). Identifiers: Orphanet 154, Orphanet 54260, MedGen C3150681, MONDO:0013261, OMIM 613424.
Atrial septal defect 5 (ASD5). Identifiers: Orphanet 1478, MedGen C2748552, MONDO:0013011, OMIM 612794.
Hypertrophic cardiomyopathy. Also called: HYPERTROPHIC MYOCARDIOPATHY. Identifiers: Orphanet 217569, MedGen C0007194, MeSH D002312, MONDO:0005045, HP:0001639.

Allele frequency attached by ClinVar (database versions not stated): gnomAD exomes below 0.00001; gnomAD 0.00001; TOPMed 0.00002.
gnomAD v4.1: 8 of 1,613,900 alleles (0.0005%); highest among the groups gnomAD compares: African/African-American, 0.0067%; no homozygotes.

Submissions (2):

Labcorp Genetics (formerly Invitae), Labcorp
Classification: Likely benign for Dilated cardiomyopathy 1R; Hypertrophic cardiomyopathy 11; Atrial septal defect 5. Last evaluated: 2024-08-16. Review status: criteria provided, single submitter. Criteria: Invitae Variant Classification Sherloc (09022015). Collection method: clinical testing. Allele origin: germline.

All of Us Research Program, National Institutes of Health
Classification: Likely benign for Hypertrophic cardiomyopathy. Last evaluated: 2023-12-13. Review status: criteria provided, single submitter. Criteria: ACMG Guidelines, 2015. Collection method: clinical testing. Allele origin: germline. Inheritance: Autosomal dominant inheritance. Observed: 1 variant allele, 1 heterozygote.
Comment: This study involves interpretation of variants in research participants for the purpose of population health screening. Participant phenotype was not available at the time of variant classification. Additional details can be found in publication PMID: 35346344, PMCID: PMC8962531